The following is an entry in ClinVar:

ClinVar aggregate classification (germline): Pathogenic (1 of 4 stars; one submission).

Conditions:
Migraine, familial hemiplegic, 1. Also called: MIGRAINE, FAMILIAL HEMIPLEGIC 1, WITH PROGRESSIVE CEREBELLAR ATAXIA. Identifiers: Orphanet 569, MedGen C1832884, MONDO:0020756, OMIM 141500, MONDO:0007714.
Episodic ataxia type 2 (EA2). Also called: ACETAZOLAMIDE-RESPONSIVE HEREDITARY PAROXYSMAL CEREBELLAR ATAXIA; ATAXIA, EPISODIC, WITH NYSTAGMUS; ATAXIA, FAMILIAL PAROXYSMAL; CEREBELLAR ATAXIA, PAROXYSMAL, ACETAZOLAMIDE-RESPONSIVE; CEREBELLOPATHY, HEREDITARY PAROXYSMAL; EPISODIC ATAXIA, NYSTAGMUS-ASSOCIATED. Identifiers: Orphanet 97, MedGen C1720416, MONDO:0007163, OMIM 108500.

Submission:

GeneDx
Classification: Pathogenic. Last evaluated: 2026-03-11. Review status: criteria provided, single submitter. Criteria: GeneDx Variant Classification Process June 2021. Collection method: clinical testing. Allele origin: germline.
Comment: Not observed at significant frequency in large population cohorts (gnomAD); In silico analysis supports that this missense variant has a deleterious effect on protein structure/function; Has not been previously published as pathogenic or benign to our knowledge

NM_001127222.2(CACNA1A):c.581T>G (p.Leu194Arg)

Gene: CACNA1A (calcium voltage-gated channel subunit alpha1 A; minus strand). Cytogenetic location: 19p13.13.
Variant type: single nucleotide variant.
Coding change: c.581T>G on transcript NM_001127222.2 (MANE Select); coding-DNA position 581, T replaced by G.
Protein change: p.Leu194Arg; replaces leucine 194 with arginine.
Molecular consequence: missense variant.
Genome position (GRCh38, 1-based): chr19:13,371,738, A>C on the plus strand (T>G on the coding strand, the complement: CACNA1A is on the minus strand). VCF-style: chr19-13371738-A-C. GRCh37 (hg19) VCF-style: chr19-13482552-A-C.
Other names: c.581T>G, p.Leu194Arg (NM_000068.4, NM_001127221.2, NM_001174080.2 and 1 more transcripts); short protein forms L194R.
Identifiers: ClinVar variation 4813636 (VCV004813636.2).